The following is an entry in ClinVar:

ClinVar aggregate classification (germline): Uncertain significance. Review status: criteria provided, multiple submitters, no conflicts (2 of 4 stars). 2 submissions from 2 submitters: Uncertain significance (2). Last evaluated 2025-05-19.

Conditions:
Progressive familial heart block type IB (PFHB1B). Identifiers: Orphanet 871, MedGen C1970298, MONDO:0011474, OMIM 604559.
Cardiovascular phenotype. Identifiers: MedGen CN230736.

Allele frequency attached by ClinVar (database versions not stated): gnomAD exomes below 0.00001; TOPMed 0.00001.
gnomAD v4.1: 1 of 1,613,236 alleles (0.000062%); highest among the groups gnomAD compares: Non-Finnish European, 0.000085%; no homozygotes.

Submissions (2):

Labcorp Genetics (formerly Invitae), Labcorp
Classification: Uncertain significance for Progressive familial heart block type IB. Last evaluated: 2025-05-19. Review status: criteria provided, single submitter. Criteria: Invitae Variant Classification Sherloc (09022015). Collection method: clinical testing. Allele origin: germline.
Comment: This sequence change replaces valine, which is neutral and non-polar, with isoleucine, which is neutral and non-polar, at codon 912 of the TRPM4 protein (p.Val912Ile). This variant is not present in population databases (gnomAD no frequency). This variant has not been reported in the literature in individuals affected with TRPM4-related conditions. ClinVar contains an entry for this variant (Variation ID: 1358679). An algorithm developed to predict the effect of missense changes on protein structure and function (PolyPhen-2) suggests that this variant is likely to be disruptive. In summary, the available evidence is currently insufficient to determine the role of this variant in disease. Therefore, it has been classified as a Variant of Uncertain Significance.

Ambry Genetics
Classification: Uncertain significance for Cardiovascular phenotype. Last evaluated: 2025-03-03. Review status: criteria provided, single submitter. Criteria: Ambry Variant Classification Scheme 2023. Collection method: clinical testing. Allele origin: germline.
Comment: The p.V912I variant (also known as c.2734G>A), located in coding exon 18 of the TRPM4 gene, results from a G to A substitution at nucleotide position 2734. The valine at codon 912 is replaced by isoleucine, an amino acid with highly similar properties. This amino acid position is conserved. In addition, this alteration is predicted to be tolerated by in silico analysis. Since supporting evidence is limited at this time, the clinical significance of this alteration remains unclear.

NM_017636.4(TRPM4):c.2734G>A (p.Val912Ile)

Gene: TRPM4 (transient receptor potential cation channel subfamily M member 4; plus strand). Cytogenetic location: 19q13.33.
Variant type: single nucleotide variant.
Coding change: c.2734G>A on transcript NM_017636.4 (MANE Select); coding-DNA position 2734, G replaced by A.
Protein change: p.Val912Ile; replaces valine 912 with isoleucine.
Molecular consequence: missense variant.
Genome position (GRCh38, 1-based): chr19:49,200,388, G>A. VCF-style: chr19-49200388-G-A. GRCh37 (hg19) VCF-style: chr19-49703645-G-A.
Other names: c.2299G>A, p.Val767Ile (NM_001195227.2); c.2389G>A, p.Val797Ile (NM_001321281.2); c.2734G>A (NM_017636.3); c.1126G>A, p.Val376Ile (NM_001321282.2); c.2212G>A, p.Val738Ile (NM_001321283.2); c.1672G>A, p.Val558Ile (NM_001321285.2); short protein forms V912I, V376I, V797I, V738I, V558I, V767I.
Identifiers: ClinVar variation 1358679 (VCV001358679.8), dbSNP rs1968869813, ClinGen allele CA406810469.